The following is an entry in ClinVar:

ClinVar aggregate classification (germline): Uncertain significance (1 of 4 stars; one submission).

Conditions:
Familial adenomatous polyposis 1 (FAP1). Also called: POLYPOSIS, ADENOMATOUS INTESTINAL; FAMILIAL ADENOMATOUS POLYPOSIS 1, ATTENUATED. Identifiers: MedGen C2713442, MONDO:0021056, OMIM 175100. Disease mechanism: loss of function.

Submission:

Labcorp Genetics (formerly Invitae), Labcorp
Classification: Uncertain significance for Familial adenomatous polyposis 1. Last evaluated: 2020-06-04. Review status: criteria provided, single submitter. Criteria: Invitae Variant Classification Sherloc (09022015). Collection method: clinical testing. Allele origin: germline.
Comment: This sequence change replaces methionine with isoleucine at codon 184 of the APC protein (p.Met184Ile). The methionine residue is highly conserved and there is a small physicochemical difference between methionine and isoleucine. This variant is not present in population databases (ExAC no frequency). This variant has not been reported in the literature in individuals with APC-related conditions. Algorithms developed to predict the effect of missense changes on protein structure and function (SIFT, PolyPhen-2, Align-GVGD) all suggest that this variant is likely to be tolerated, but these predictions have not been confirmed by published functional studies and their clinical significance is uncertain. In summary, the available evidence is currently insufficient to determine the role of this variant in disease. Therefore, it has been classified as a Variant of Uncertain Significance.

NM_000038.6(APC):c.552G>A (p.Met184Ile)

Gene: APC (APC regulator of Wnt signaling pathway; plus strand). Cytogenetic location: 5q22.2.
Variant type: single nucleotide variant.
Coding change: c.552G>A on transcript NM_000038.6 (MANE Select); coding-DNA position 552, G replaced by A.
Protein change: p.Met184Ile; replaces methionine 184 with isoleucine.
Molecular consequence: missense variant. On other transcripts: 5 prime UTR variant (1).
Genome position (GRCh38, 1-based): chr5:112,780,810, G>A. VCF-style: chr5-112780810-G-A. GRCh37 (hg19) VCF-style: chr5-112116507-G-A.
Other names: c.552G>A, p.Met184Ile (NM_001127510.3, NM_001354895.2, NM_001354896.2 and 2 more transcripts); c.582G>A, p.Met194Ile (NM_001127511.3, NM_001354897.2, NM_001354902.2); c.477G>A, p.Met159Ile (NM_001354898.2, NM_001354904.2); c.375G>A, p.Met125Ile (NM_001354900.2, NM_001354901.2, NM_001354905.2); c.-484G>A (NM_001354906.2); short protein forms M125I, M159I, M184I, M194I.
Identifiers: ClinVar variation 1062640 (VCV001062640.10), dbSNP rs1758240617, ClinGen allele CA16022539.